The following is an entry in ClinVar:

NM_001041.4(SI):c.4841+9A>G

Gene: SI (sucrase-isomaltase; minus strand). Cytogenetic location: 3q26.1.
Variant type: single nucleotide variant.
Coding change: c.4841+9A>G on transcript NM_001041.4 (MANE Select); 9 bases into the intron after coding-DNA position 4841, A replaced by G.
Molecular consequence: intron variant.
Genome position (GRCh38, 1-based): chr3:164,994,248, T>C on the plus strand (A>G on the coding strand, the complement: SI is on the minus strand). VCF-style: chr3-164994248-T-C. GRCh37 (hg19) VCF-style: chr3-164712036-T-C.
Other names: p.?.
Identifiers: ClinVar variation 344006 (VCV000344006.16), dbSNP rs114438312, ClinGen allele CA2689776.

ClinVar aggregate classification (germline): Benign/Likely benign. Review status: criteria provided, multiple submitters, no conflicts (2 of 4 stars). 4 submissions from 4 submitters: Benign (2); Likely benign (2). Last evaluated 2026-02-04.

Conditions:
Sucrase-isomaltase deficiency (CSID). Also called: Deficiency of isomaltase; Congenital sucrose isomaltose malabsorption; Sucrose isomaltose enzyme deficiency; SI DEFICIENCY. Identifiers: Orphanet 35122, MedGen C1283620, MONDO:0009114, OMIM 222900.

Allele frequency attached by ClinVar (database versions not stated): 1000 Genomes Project 30x 0.00593; 1000 Genomes Project 0.00719; ESP Exome Variant Server 0.01199; TOPMed 0.01227; ExAC 0.01821; gnomAD exomes 0.01888 and 0.01939; gnomAD 0.01917 and 0.01984.
gnomAD v4.1: 30,215 of 1,609,150 alleles (1.9%); highest among the groups gnomAD compares: Non-Finnish European, 1.9%; 501 homozygotes.

Submissions (5):

Labcorp Genetics (formerly Invitae), Labcorp
Classification: Benign. Last evaluated: 2026-02-04. Review status: criteria provided, single submitter. Criteria: Invitae Variant Classification Sherloc (09022015). Collection method: clinical testing. Allele origin: germline.

Mayo Clinic Laboratories, Mayo Clinic
Classification: Benign. Last evaluated: 2025-01-06. Review status: criteria provided, single submitter. Criteria: ACMG Guidelines, 2015. Collection method: clinical testing. Allele origin: germline. Observed: 2 variant alleles.

Illumina Laboratory Services, Illumina
Classification: Likely benign for Sucrase-isomaltase deficiency. Last evaluated: 2018-01-13. Review status: criteria provided, single submitter. Criteria: ICSL Variant Classification Criteria 13 December 2019. Collection method: clinical testing. Allele origin: germline.
Comment: This variant was observed in the ICSL laboratory as part of a predisposition screen in an ostensibly healthy population. It had not been previously curated by ICSL or reported in the Human Gene Mutation Database (HGMD: prior to June 1st, 2018), and was therefore a candidate for classification through an automated scoring system. Utilizing variant allele frequency, disease prevalence and penetrance estimates, and inheritance mode, an automated score was calculated to assess if this variant is too frequent to cause the disease. Based on the score and internal cut-off values, a variant classified as likely benign is not then subjected to further curation. The score for this variant resulted in a classification of likely benign for this disease.

Breakthrough Genomics
Classification: Likely benign. Review status: criteria provided, single submitter. Criteria: ACMG Guidelines, 2015. Collection method: not provided. Allele origin: germline. Inheritance: Autosomal recessive inheritance. Affected: yes.

Dr. Peter K. Rogan Lab, Western University
No classification provided (evidence only). Condition: Gastric cancer. Review status: no classification provided. Collection method: in vitro. Allele origin: not applicable. Functional consequence: retained intron. Not counted in ClinVar's aggregate classification.